The following is an entry in ClinVar:

ClinVar aggregate classification (germline): Uncertain significance. Review status: criteria provided, multiple submitters, no conflicts (2 of 4 stars). 2 submissions from 2 submitters: Uncertain significance (2). Last evaluated 2025-02-27.

gnomAD v4.1: 7 of 1,613,840 alleles (0.00043%); highest among the groups gnomAD compares: African/African-American, 0.0093%; no homozygotes.

Submissions (2):

Labcorp Genetics (formerly Invitae), Labcorp
Classification: Uncertain significance. Last evaluated: 2025-02-27. Review status: criteria provided, single submitter. Criteria: Invitae Variant Classification Sherloc (09022015). Collection method: clinical testing. Allele origin: germline.
Comment: This sequence change replaces glutamic acid, which is acidic and polar, with alanine, which is neutral and non-polar, at codon 566 of the GEN1 protein (p.Glu566Ala). This variant is present in population databases (no rsID available, gnomAD 0.008%). This variant has not been reported in the literature in individuals affected with GEN1-related conditions. ClinVar contains an entry for this variant (Variation ID: 3519758). An algorithm developed to predict the effect of missense changes on protein structure and function (PolyPhen-2) suggests that this variant is likely to be tolerated. In summary, the available evidence is currently insufficient to determine the role of this variant in disease. Therefore, it has been classified as a Variant of Uncertain Significance.

Ambry Genetics
Classification: Uncertain significance. Last evaluated: 2024-11-30. Review status: criteria provided, single submitter. Criteria: Ambry Variant Classification Scheme 2023. Collection method: clinical testing. Allele origin: germline.
Comment: The p.E566A variant (also known as c.1697A>C), located in coding exon 13 of the GEN1 gene, results from an A to C substitution at nucleotide position 1697. The glutamic acid at codon 566 is replaced by alanine, an amino acid with dissimilar properties. This amino acid position is conserved. In addition, this alteration is predicted to be tolerated by in silico analysis. Based on the available evidence, the clinical significance of this variant remains unclear.

NM_001130009.3(GEN1):c.1697A>C (p.Glu566Ala)

Gene: GEN1 (GEN1 structure-specific endonuclease; plus strand). Cytogenetic location: 2p24.2.
Variant type: single nucleotide variant.
Coding change: c.1697A>C on transcript NM_001130009.3 (MANE Select); coding-DNA position 1697, A replaced by C.
Protein change: p.Glu566Ala; replaces glutamic acid 566 with alanine.
Molecular consequence: missense variant.
Genome position (GRCh38, 1-based): chr2:17,780,909, A>C. VCF-style: chr2-17780909-A-C. GRCh37 (hg19) VCF-style: chr2-17962176-A-C.
Other names: c.1697A>C, p.Glu566Ala (NM_182625.5); short protein forms E566A.
Identifiers: ClinVar variation 3519758 (VCV003519758.2).